The following is an entry in ClinVar:

ClinVar aggregate classification (germline): Uncertain significance. Review status: criteria provided, multiple submitters, no conflicts (2 of 4 stars). 3 submissions from 3 submitters: Uncertain significance (3). Last evaluated 2025-10-27.

Conditions:
Hereditary cancer-predisposing syndrome. Also called: Neoplastic Syndromes, Hereditary; Tumor predisposition; Hereditary neoplastic syndrome; Hereditary Cancer Syndrome. Identifiers: Orphanet 140162, MedGen C0027672, MeSH D009386, MONDO:0015356.
Endometrial carcinoma. Also called: Endometrial carcinoma, somatic. Identifiers: MedGen C0476089, MONDO:0002447, OMIM 608089, HP:0012114.

Allele frequency attached by ClinVar (database versions not stated): gnomAD 0.00001; ExAC 0.00005; 1000 Genomes Project 30x 0.00016; 1000 Genomes Project 0.00020.
gnomAD v4.1: 14 of 1,614,124 alleles (0.00087%); highest among the groups gnomAD compares: Middle Eastern, 0.017%; no homozygotes.

Submissions (3):

Labcorp Genetics (formerly Invitae), Labcorp
Classification: Uncertain significance. Last evaluated: 2025-10-27. Review status: criteria provided, single submitter. Criteria: Invitae Variant Classification Sherloc (09022015). Collection method: clinical testing. Allele origin: germline.
Comment: This sequence change replaces aspartic acid, which is acidic and polar, with asparagine, which is neutral and polar, at codon 245 of the MSH3 protein (p.Asp245Asn). This variant is present in population databases (rs558080525, gnomAD 0.02%). This variant has not been reported in the literature in individuals affected with MSH3-related conditions. ClinVar contains an entry for this variant (Variation ID: 642746). An algorithm developed to predict the effect of missense changes on protein structure and function (PolyPhen-2) suggests that this variant is likely to be disruptive. In summary, the available evidence is currently insufficient to determine the role of this variant in disease. Therefore, it has been classified as a Variant of Uncertain Significance.

Ambry Genetics
Classification: Uncertain significance for Hereditary cancer-predisposing syndrome. Last evaluated: 2025-03-28. Review status: criteria provided, single submitter. Criteria: Ambry Variant Classification Scheme 2023. Collection method: clinical testing. Allele origin: germline.
Comment: The p.D245N variant (also known as c.733G>A), located in coding exon 4 of the MSH3 gene, results from a G to A substitution at nucleotide position 733. The aspartic acid at codon 245 is replaced by asparagine, an amino acid with highly similar properties. This amino acid position is highly conserved in available vertebrate species. In addition, the in silico prediction for this alteration is inconclusive. Based on the available evidence, the clinical significance of this variant remains unclear.

Baylor Genetics
Classification: Uncertain significance for Endometrial carcinoma. Last evaluated: 2023-10-22. Review status: criteria provided, single submitter. Criteria: ACMG Guidelines, 2015. Collection method: clinical testing. Allele origin: unknown.

NM_002439.5(MSH3):c.733G>A (p.Asp245Asn)

Gene: MSH3 (mutS homolog 3; plus strand). Cytogenetic location: 5q14.1.
Variant type: single nucleotide variant.
Coding change: c.733G>A on transcript NM_002439.5 (MANE Select); coding-DNA position 733, G replaced by A.
Protein change: p.Asp245Asn; replaces aspartic acid 245 with asparagine.
Molecular consequence: missense variant.
Genome position (GRCh38, 1-based): chr5:80,670,250, G>A. VCF-style: chr5-80670250-G-A. GRCh37 (hg19) VCF-style: chr5-79966069-G-A.
Other names: short protein forms D245N.
Identifiers: ClinVar variation 642746 (VCV000642746.12), dbSNP rs558080525, ClinGen allele CA3327689.
Genomic context (GRCh38, chr5:80,670,250, plus strand): 5'-TCCAAAAGCATCTATACGCCGCTAGAATTACAATACATAGAAATGAAGCAGCAGCACAAA[G>A]ATGCAGTTTTGTGTGTGGAATGTGGATATAAGTATAGATTCTTTGGGGAAGATGCAGAGG-3'
Protein context (NP_002430.3, residues 235-255): QYIEMKQQHK[Asp245Asn]AVLCVECGYK